The following is an entry in ClinVar:

ClinVar aggregate classification (germline): Uncertain significance. Review status: criteria provided, multiple submitters, no conflicts (2 of 4 stars). 2 submissions from 2 submitters: Uncertain significance (2). Last evaluated 2023-09-26.

Conditions:
Dilated cardiomyopathy 1O (CMD1O). Also called: CARDIOMYOPATHY, DILATED, WITH VENTRICULAR TACHYCARDIA. Identifiers: Orphanet 154, MedGen C1837839, MONDO:0012062, OMIM 608569.
Cardiovascular phenotype. Identifiers: MedGen CN230736.

Allele frequency attached by ClinVar (database versions not stated): gnomAD exomes below 0.00001; gnomAD 0.00001; TOPMed 0.00001.
gnomAD v4.1: 3 of 1,613,734 alleles (0.00019%); highest among the groups gnomAD compares: Admixed American, 0.0033%; no homozygotes.

Submissions (2):

Labcorp Genetics (formerly Invitae), Labcorp
Classification: Uncertain significance for Dilated cardiomyopathy 1O. Last evaluated: 2023-09-26. Review status: criteria provided, single submitter. Criteria: Invitae Variant Classification Sherloc (09022015). Collection method: clinical testing. Allele origin: germline.
Comment: Advanced modeling of protein sequence and biophysical properties (such as structural, functional, and spatial information, amino acid conservation, physicochemical variation, residue mobility, and thermodynamic stability) performed at Invitae indicates that this missense variant is not expected to disrupt ABCC9 protein function. In summary, the available evidence is currently insufficient to determine the role of this variant in disease. Therefore, it has been classified as a Variant of Uncertain Significance. This sequence change replaces isoleucine, which is neutral and non-polar, with threonine, which is neutral and polar, at codon 832 of the ABCC9 protein (p.Ile832Thr). This variant is not present in population databases (gnomAD no frequency). This variant has not been reported in the literature in individuals affected with ABCC9-related conditions. ClinVar contains an entry for this variant (Variation ID: 656948).

Ambry Genetics
Classification: Uncertain significance for Cardiovascular phenotype. Last evaluated: 2022-09-06. Review status: criteria provided, single submitter. Criteria: Ambry Variant Classification Scheme 2023. Collection method: clinical testing. Allele origin: germline.
Comment: The p.I832T variant (also known as c.2495T>C), located in coding exon 20 of the ABCC9 gene, results from a T to C substitution at nucleotide position 2495. The isoleucine at codon 832 is replaced by threonine, an amino acid with similar properties. This amino acid position is well conserved in available vertebrate species. In addition, this alteration is predicted to be deleterious by in silico analysis. Since supporting evidence is limited at this time, the clinical significance of this alteration remains unclear.

NM_020297.4(ABCC9):c.2495T>C (p.Ile832Thr)

Gene: ABCC9 (ATP binding cassette subfamily C member 9; minus strand). Cytogenetic location: 12p12.1.
Variant type: single nucleotide variant.
Coding change: c.2495T>C on transcript NM_020297.4 (MANE Select); coding-DNA position 2495, T replaced by C.
Protein change: p.Ile832Thr; replaces isoleucine 832 with threonine.
Molecular consequence: missense variant.
Genome position (GRCh38, 1-based): chr12:21,859,596, A>G on the plus strand (T>C on the coding strand, the complement: ABCC9 is on the minus strand). VCF-style: chr12-21859596-A-G. GRCh37 (hg19) VCF-style: chr12-22012530-A-G.
Other names: c.2495T>C, p.Ile832Thr (NM_001377273.1, NM_005691.4); c.1628T>C, p.Ile543Thr (NM_001377274.1); short protein forms I832T, I543T.
Identifiers: ClinVar variation 656948 (VCV000656948.12), dbSNP rs542818695, ClinGen allele CA233604113.